The following is an entry in ClinVar:

NM_000075.4(CDK4):c.846G>C (p.Lys282Asn)

Genes: CDK4 (cyclin dependent kinase 4; minus strand), TSPAN31 (tetraspanin 31; plus strand). Cytogenetic location: 12q14.1.
Variant type: single nucleotide variant.
Coding change: c.846G>C on transcript NM_000075.4 (MANE Select); coding-DNA position 846, G replaced by C.
Protein change: p.Lys282Asn; replaces lysine 282 with asparagine.
Molecular consequence: missense variant. On other transcripts: 3 prime UTR variant (3).
Genome position (GRCh38, 1-based): chr12:57,748,591, C>G on the plus strand (G>C on the coding strand, the complement: CDK4 is on the minus strand). VCF-style: chr12-57748591-C-G. GRCh37 (hg19) VCF-style: chr12-58142374-C-G.
Other names: c.*1301C>G (NM_001330168.2, NM_001330169.2, NM_005981.5); short protein forms K282N.
Identifiers: ClinVar variation 3724584 (VCV003724584.2).
Genomic context (GRCh38, chr12:57,748,591, plus strand): 5'-CGGATTACCTTCATCCTTATGTAGATAAGAGTGCTGCAGAGCTCGAAAGGCAGAGATTCG[C>G]TTGTGTGGGTTAAAAGTCAGCATTTCCTGAGGGGAGAGGCAAAGGTCAGAAAACCATGAA-3'
Protein context (NP_000066.1, residues 272-292): LLEMLTFNPH[Lys282Asn]RISAFRALQH

ClinVar aggregate classification (germline): Uncertain significance (1 of 4 stars; one submission).

Conditions:
Familial melanoma. Also called: Hereditary melanoma; Hereditary cutaneous melanoma. Identifiers: Orphanet 618, MedGen C1512419, MONDO:0018961.

Submission:

Labcorp Genetics (formerly Invitae), Labcorp
Classification: Uncertain significance for Familial melanoma. Last evaluated: 2024-11-04. Review status: criteria provided, single submitter. Criteria: Invitae Variant Classification Sherloc (09022015). Collection method: clinical testing. Allele origin: germline.
Comment: This sequence change replaces lysine, which is basic and polar, with asparagine, which is neutral and polar, at codon 282 of the CDK4 protein (p.Lys282Asn). This variant is not present in population databases (gnomAD no frequency). This variant has not been reported in the literature in individuals affected with CDK4-related conditions. An algorithm developed to predict the effect of missense changes on protein structure and function (PolyPhen-2) suggests that this variant is likely to be tolerated. In summary, the available evidence is currently insufficient to determine the role of this variant in disease. Therefore, it has been classified as a Variant of Uncertain Significance.